The following is an entry in ClinVar:

ClinVar aggregate classification (germline): Uncertain significance (1 of 4 stars; one submission).

Conditions:
Cardiovascular phenotype. Identifiers: MedGen CN230736.

Submission:

Ambry Genetics
Classification: Uncertain significance for Cardiovascular phenotype. Last evaluated: 2026-06-18. Review status: criteria provided, single submitter. Criteria: Ambry Variant Classification Scheme 2023. Collection method: clinical testing. Allele origin: germline.
Comment: The p.L890R variant (also known as c.2669T>G), located in coding exon 18 of the TRPM4 gene, results from a T to G substitution at nucleotide position 2669. The leucine at codon 890 is replaced by arginine, an amino acid with dissimilar properties. This amino acid position is conserved. In addition, the in silico prediction for this alteration is inconclusive. Based on the available evidence, the clinical significance of this variant remains unclear.

NM_017636.4(TRPM4):c.2669T>G (p.Leu890Arg)

Gene: TRPM4 (transient receptor potential cation channel subfamily M member 4; plus strand). Cytogenetic location: 19q13.33.
Variant type: single nucleotide variant.
Coding change: c.2669T>G on transcript NM_017636.4 (MANE Select); coding-DNA position 2669, T replaced by G.
Protein change: p.Leu890Arg; replaces leucine 890 with arginine.
Molecular consequence: missense variant.
Genome position (GRCh38, 1-based): chr19:49,200,323, T>G. VCF-style: chr19-49200323-T-G. GRCh37 (hg19) VCF-style: chr19-49703580-T-G.
Other names: c.2234T>G, p.Leu745Arg (NM_001195227.2); c.2324T>G, p.Leu775Arg (NM_001321281.2); c.1061T>G, p.Leu354Arg (NM_001321282.2); c.2147T>G, p.Leu716Arg (NM_001321283.2); c.1607T>G, p.Leu536Arg (NM_001321285.2); short protein forms L354R, L716R, L536R, L745R, L775R, L890R.
Identifiers: ClinVar variation 5031147 (VCV005031147.1).